The following is an entry in ClinVar:

ClinVar aggregate classification (germline): Uncertain significance (1 of 4 stars; one submission).

Conditions:
IFT172-related disorder. Also called: IFT172-related condition; IFT172-related disorders.

Allele frequency attached by ClinVar (database versions not stated): gnomAD 0.00001.
gnomAD v4.1: 11 of 1,613,884 alleles (0.00068%); highest among the groups gnomAD compares: East Asian, 0.0022%; no homozygotes.

Submission:

PreventionGenetics, part of Exact Sciences
Classification: Uncertain significance for IFT172-related condition. Last evaluated: 2025-01-12. Review status: criteria provided, single submitter. Criteria: ACMG Guidelines, 2015. Collection method: clinical testing. Allele origin: germline.
Comment: The IFT172 c.2882C>T variant is predicted to result in the amino acid substitution p.Ala961Val. To our knowledge, this variant has not been reported in the literature. This variant is reported in 0.0054% of alleles in individuals of East Asian descent in gnomAD. At this time, the clinical significance of this variant is uncertain due to the absence of conclusive functional and genetic evidence.

NM_015662.3(IFT172):c.2882C>T (p.Ala961Val)

Gene: IFT172 (intraflagellar transport 172; minus strand). Cytogenetic location: 2p23.3.
Variant type: single nucleotide variant.
Coding change: c.2882C>T on transcript NM_015662.3 (MANE Select); coding-DNA position 2882, C replaced by T.
Protein change: p.Ala961Val; replaces alanine 961 with valine.
Molecular consequence: missense variant.
Genome position (GRCh38, 1-based): chr2:27,458,219, G>A on the plus strand (C>T on the coding strand, the complement: IFT172 is on the minus strand). VCF-style: chr2-27458219-G-A. GRCh37 (hg19) VCF-style: chr2-27681086-G-A.
Other names: c.2816C>T, p.Ala939Val (NM_001410739.1); short protein forms A939V, A961V.
Identifiers: ClinVar variation 3052362 (VCV003052362.3), dbSNP rs769578794, ClinGen allele CA346381344.